The following is an entry in ClinVar:

ClinVar aggregate classification (germline): Uncertain significance. Review status: criteria provided, single submitter (1 of 4 stars). 3 submissions from 3 submitters: Uncertain significance (1). 2 of the submissions do not count toward it. Last evaluated 2024-11-22.

Conditions:
Isolated cerebellar hypoplasia/agenesis (CHEGDD). Also called: Cerebellar hypoplasia/atrophy, epilepsy, and global developmental delay. Identifiers: Orphanet 1398, Orphanet 2246, MedGen C5231391, MONDO:0008939, OMIM 213000.
Corpus callosum, agenesis of. Also called: Agenesis of the corpus callosum; Isolated corpus callosum agenesis; Corpus callosum agenesis; Mental retardation hypoplastic corpus callosum preauricular tag; Da silva syndrome. Identifiers: Orphanet 200, MedGen C0175754, MONDO:0009022, OMIM 217990, HP:0001274.
Cerebellar vermis hypoplasia. Identifiers: MedGen C1840379, HP:0001320.

Allele frequency attached by ClinVar (database versions not stated): gnomAD 0.00002; TOPMed 0.00005; ExAC 0.00001; gnomAD exomes 0.00001.

Submissions (3):

Dasa
Classification: Uncertain significance. Last evaluated: 2024-11-22. Review status: criteria provided, single submitter. Criteria: DASA Assertion Criteria. Collection method: clinical testing. Allele origin: germline.
Comment: NM_018196.4(TMLHE):c.277C>T (p.Arg93Cys) is a missense variant that results in the substitution of arginine with cysteine. This variant has been reported in individuals with TMLHE-related disorders (PMID: 31474318). Also, this variant is rare in population databases. Computational prediction algorithms are consistent with a deleterious effect. The currently available literature and clinical evidence are not sufficient to establish a definitive association between this variant and the reported condition. Therefore, this variant is classified as a variant of uncertain significance.

Dobyns Lab, Seattle Children's Research Institute
Classification: Likely pathogenic for Cerebellar vermis hypoplasia; Agenesis of corpus callosum. Last evaluated: 2019-02-18. Review status: no assertion criteria provided. Collection method: research. Allele origin: germline. Affected: yes. Observed: 1 variant allele. Not counted in ClinVar's aggregate classification.

University of Washington Center for Mendelian Genomics, University of Washington
Classification: Likely pathogenic for Cerebellar hypoplasia. Review status: no assertion criteria provided. Collection method: research. Allele origin: maternal. Affected: yes. Not counted in ClinVar's aggregate classification.

Literature cited by the submitters: PubMed 31474318 (cited by Dasa and University of Washington Center for Mendelian Genomics, University of Washington).

NM_018196.4(TMLHE):c.277C>T (p.Arg93Cys)

Gene: TMLHE (trimethyllysine hydroxylase, epsilon; minus strand). Cytogenetic location: Xq28.
Variant type: single nucleotide variant.
Coding change: c.277C>T on transcript NM_018196.4 (MANE Select); coding-DNA position 277, C replaced by T.
Protein change: p.Arg93Cys; replaces arginine 93 with cysteine.
Molecular consequence: missense variant.
Genome position (GRCh38, 1-based): chrX:155,524,537, G>A on the plus strand (C>T on the coding strand, the complement: TMLHE is on the minus strand). VCF-style: chrX-155524537-G-A. GRCh37 (hg19) VCF-style: chrX-154754198-G-A.
Other names: c.277C>T, p.Arg93Cys (NM_001184797.2); short protein forms R93C.
Identifiers: ClinVar variation 632605 (VCV000632605.5), dbSNP rs782785654, ClinGen allele CA10569562.